The following is an entry in ClinVar:

ClinVar aggregate classification (germline): Pathogenic (1 of 4 stars; one submission).

Conditions:
Tuberous sclerosis 1 (TSC1). Identifiers: Orphanet 805, MedGen C1854465, MONDO:0008612, OMIM 191100.

Submission:

Labcorp Genetics (formerly Invitae), Labcorp
Classification: Pathogenic for Tuberous sclerosis 1. Last evaluated: 2024-02-11. Review status: criteria provided, single submitter. Criteria: Invitae Variant Classification Sherloc (09022015). Collection method: clinical testing. Allele origin: germline.
Comment: This sequence change creates a premature translational stop signal (p.Pro141Leufs*4) in the TSC1 gene. It is expected to result in an absent or disrupted protein product. Loss-of-function variants in TSC1 are known to be pathogenic (PMID: 10227394, 17304050). This variant is not present in population databases (gnomAD no frequency). This variant has not been reported in the literature in individuals affected with TSC1-related conditions. For these reasons, this variant has been classified as Pathogenic.

Literature cited by the submitters: PubMed 10227394; PubMed 17304050.

NM_000368.5(TSC1):c.421_422insTCTAC (p.Pro141fs)

Gene: TSC1 (TSC complex subunit 1; minus strand). Cytogenetic location: 9q34.13.
Variant type: Insertion.
Coding change: c.421_422insTCTAC on transcript NM_000368.5 (MANE Select); coding-DNA positions 421 to 422, TCTAC inserted.
Protein change: p.Pro141fs; shifts the reading frame from proline 141.
Molecular consequence: frameshift variant. On other transcripts: 5 prime UTR variant (5), non-coding transcript variant (5).
Genome position: GRCh38 VCF-style: chr9-132923434-G-GGTAGA. GRCh37 (hg19) VCF-style: chr9-135798821-G-GGTAGA.
Other names: c.421_422insTCTAC, p.Pro141fs (NM_001162426.2, NM_001406592.1, NM_001406593.1 and 16 more transcripts); c.268_269insTCTAC, p.Pro90fs (NM_001162427.2, NM_001406610.1, NM_001406611.1 and 2 more transcripts); c.58_59insTCTAC, p.Pro20fs (NM_001362177.2, NM_001406614.1, NM_001406615.1 and 10 more transcripts); c.-457_-456insTCTAC (NM_001406626.1, NM_001406627.1, NM_001406628.1); c.-599_-598insTCTAC (NM_001406629.1); c.-673_-672insTCTAC (NM_001406630.1); short protein forms P90fs, P20fs, P141fs.
Identifiers: ClinVar variation 2705133 (VCV002705133.3), dbSNP rs2539040580, ClinGen allele CA2697558129.